The following is an entry in ClinVar:

NM_006766.5(KAT6A):c.3008C>T (p.Pro1003Leu)

Gene: KAT6A (lysine acetyltransferase 6A; minus strand). Cytogenetic location: 8p11.21.
Variant type: single nucleotide variant.
Coding change: c.3008C>T on transcript NM_006766.5 (MANE Select); coding-DNA position 3008, C replaced by T.
Protein change: p.Pro1003Leu; replaces proline 1003 with leucine.
Molecular consequence: missense variant.
Genome position (GRCh38, 1-based): chr8:41,940,873, G>A on the plus strand (C>T on the coding strand, the complement: KAT6A is on the minus strand). VCF-style: chr8-41940873-G-A. GRCh37 (hg19) VCF-style: chr8-41798391-G-A.
Other names: short protein forms P1003L.
Identifiers: ClinVar variation 1713417 (VCV001713417.5), dbSNP rs2486770418, ClinGen allele CA371071190.

ClinVar aggregate classification (germline): Uncertain significance (1 of 4 stars; one submission).

Allele frequency attached by ClinVar (database versions not stated): gnomAD exomes below 0.00001.

Submission:

Labcorp Genetics (formerly Invitae), Labcorp
Classification: Uncertain significance. Last evaluated: 2022-07-23. Review status: criteria provided, single submitter. Criteria: Invitae Variant Classification Sherloc (09022015). Collection method: clinical testing. Allele origin: germline.
Comment: In summary, the available evidence is currently insufficient to determine the role of this variant in disease. Therefore, it has been classified as a Variant of Uncertain Significance. Algorithms developed to predict the effect of missense changes on protein structure and function (SIFT, PolyPhen-2, Align-GVGD) all suggest that this variant is likely to be disruptive. This variant has not been reported in the literature in individuals affected with KAT6A-related conditions. This variant is not present in population databases (gnomAD no frequency). This sequence change replaces proline, which is neutral and non-polar, with leucine, which is neutral and non-polar, at codon 1003 of the KAT6A protein (p.Pro1003Leu).